The following is an entry in ClinVar:

NM_001040142.2(SCN2A):c.2919+8G>A

Gene: SCN2A (sodium voltage-gated channel alpha subunit 2; plus strand). Cytogenetic location: 2q24.3.
Variant type: single nucleotide variant.
Coding change: c.2919+8G>A on transcript NM_001040142.2 (MANE Select); 8 bases into the intron after coding-DNA position 2919, G replaced by A.
Molecular consequence: intron variant.
Genome position (GRCh38, 1-based): chr2:165,344,919, G>A. VCF-style: chr2-165344919-G-A. GRCh37 (hg19) VCF-style: chr2-166201429-G-A.
Other names: c.2919+8G>A (NM_001040143.2, NM_001371246.1, NM_001371247.1 and 1 more transcripts).
Identifiers: ClinVar variation 378530 (VCV000378530.11), dbSNP rs552318566, ClinGen allele CA1940031.

ClinVar aggregate classification (germline): Benign/Likely benign. Review status: criteria provided, multiple submitters, no conflicts (2 of 4 stars). 2 submissions from 2 submitters: Benign (1); Likely benign (1). Last evaluated 2026-01-21.

Conditions:
Seizures, benign familial infantile, 3 (BFIS3). Also called: Familial neonatal seizures; CONVULSIONS, BENIGN FAMILIAL INFANTILE, 3. Identifiers: Orphanet 140927, Orphanet 306, MedGen C1843140, MONDO:0011904, OMIM 607745.
Developmental and epileptic encephalopathy, 11 (DEE11). Also called: Early infantile epileptic encephalopathy 11. Identifiers: Orphanet 1934, MedGen C3150987, MONDO:0013388, OMIM 613721.

Allele frequency attached by ClinVar (database versions not stated): gnomAD exomes 0.00001 and 0.00002; ExAC 0.00002; gnomAD 0.00011 and 0.00012; TOPMed 0.00011; 1000 Genomes Project 0.00060; 1000 Genomes Project 30x 0.00062.
gnomAD v4.1: 30 of 1,613,964 alleles (0.0019%); highest among the groups gnomAD compares: African/African-American, 0.039%; no homozygotes.

Submissions (2):

Labcorp Genetics (formerly Invitae), Labcorp
Classification: Likely benign for Seizures, benign familial infantile, 3; Developmental and epileptic encephalopathy, 11. Last evaluated: 2026-01-21. Review status: criteria provided, single submitter. Criteria: Invitae Variant Classification Sherloc (09022015). Collection method: clinical testing. Allele origin: germline.

GeneDx
Classification: Benign. Last evaluated: 2015-05-18. Review status: criteria provided, single submitter. Criteria: GeneDx Variant Classification (06012015). Collection method: clinical testing. Allele origin: germline. Affected: yes.
Comment: This variant is considered likely benign or benign based on one or more of the following criteria: it is a conservative change, it occurs at a poorly conserved position in the protein, it is predicted to be benign by multiple in silico algorithms, and/or has population frequency not consistent with disease.